The following is an entry in ClinVar:

ClinVar aggregate classification (germline): Conflicting classifications of pathogenicity. Review status: criteria provided, conflicting classifications (1 of 4 stars). 3 submissions from 3 submitters: Uncertain significance (2); Likely benign (1). Last evaluated 2026-02-19.

Conditions:
Hereditary cancer-predisposing syndrome. Also called: Hereditary neoplastic syndrome; Tumor predisposition; Neoplastic Syndromes, Hereditary; Hereditary Cancer Syndrome. Identifiers: Orphanet 140162, MedGen C0027672, MeSH D009386, MONDO:0015356.
Hereditary nonpolyposis colorectal neoplasms. Identifiers: MedGen C0009405, MeSH D003123.

Submissions (3):

Ambry Genetics
Classification: Likely benign for Hereditary cancer-predisposing syndrome. Last evaluated: 2026-02-19. Review status: criteria provided, single submitter. Criteria: Ambry Variant Classification Scheme 2023. Collection method: clinical testing. Allele origin: germline.

Labcorp Genetics (formerly Invitae), Labcorp
Classification: Uncertain significance for Hereditary nonpolyposis colorectal neoplasms. Last evaluated: 2025-01-20. Review status: criteria provided, single submitter. Criteria: Invitae Variant Classification Sherloc (09022015). Collection method: clinical testing. Allele origin: germline.
Comment: This sequence change replaces glutamic acid, which is acidic and polar, with glycine, which is neutral and non-polar, at codon 473 of the PMS2 protein (p.Glu473Gly). This variant is not present in population databases (gnomAD no frequency). This variant has not been reported in the literature in individuals affected with PMS2-related conditions. Invitae Evidence Modeling incorporating data from in vitro experimental studies (internal data) indicates that this missense variant is not expected to disrupt PMS2 function with a negative predictive value of 95%. In summary, the available evidence is currently insufficient to determine the role of this variant in disease. Therefore, it has been classified as a Variant of Uncertain Significance.

GeneDx
Classification: Uncertain significance. Last evaluated: 2023-06-16. Review status: criteria provided, single submitter. Criteria: GeneDx Variant Classification Process June 2021. Collection method: clinical testing. Allele origin: germline. Affected: yes.
Comment: Not observed at significant frequency in large population cohorts (gnomAD); In silico analysis supports that this missense variant does not alter protein structure/function; Has not been previously published as pathogenic or benign to our knowledge

NM_000535.7(PMS2):c.1418A>G (p.Glu473Gly)

Gene: PMS2 (PMS1 homolog 2, mismatch repair system component; minus strand). Cytogenetic location: 7p22.1.
Variant type: single nucleotide variant.
Coding change: c.1418A>G on transcript NM_000535.7 (MANE Select); coding-DNA position 1418, A replaced by G.
Protein change: p.Glu473Gly; replaces glutamic acid 473 with glycine.
Molecular consequence: missense variant. On other transcripts: non-coding transcript variant (1), intron variant (1).
Genome position (GRCh38, 1-based): chr7:5,987,347, T>C on the plus strand (A>G on the coding strand, the complement: PMS2 is on the minus strand). VCF-style: chr7-5987347-T-C. GRCh37 (hg19) VCF-style: chr7-6026978-T-C.
Other names: c.1013A>G, p.Glu338Gly (NM_001322003.2, NM_001322004.2, NM_001322005.2 and 16 more transcripts); c.1262A>G, p.Glu421Gly (NM_001322006.2, NM_001406870.1); c.1100A>G, p.Glu367Gly (NM_001322007.2, NM_001322008.2, NM_001406876.1 and 2 more transcripts); c.857A>G, p.Glu286Gly (NM_001322010.2, NM_001406906.1, NM_001406907.1); c.485A>G, p.Glu162Gly (NM_001322011.2, NM_001322012.2); c.845A>G, p.Glu282Gly (NM_001322013.2, NM_001406909.1); c.1109A>G, p.Glu370Gly (NM_001406875.1, NM_001406877.1, NM_001406878.1 and 5 more transcripts); c.953A>G, p.Glu318Gly (NM_001406900.1); and 13 more; short protein forms E162G, E216G, E282G, E286G, E302G, E315G, E318G, E338G.
Identifiers: ClinVar variation 3359930 (VCV003359930.4).